The following is an entry in ClinVar:

NM_005476.7(GNE):c.1003C>T (p.Arg335Trp)

Gene: GNE (glucosamine (UDP-N-acetyl)-2-epimerase/N-acetylmannosamine kinase; minus strand). Cytogenetic location: 9p13.3.
Variant type: single nucleotide variant.
Coding change: c.1003C>T on transcript NM_005476.7 (MANE Select); coding-DNA position 1003, C replaced by T.
Protein change: p.Arg335Trp; replaces arginine 335 with tryptophan.
Molecular consequence: missense variant.
Genome position (GRCh38, 1-based): chr9:36,229,088, G>A on the plus strand (C>T on the coding strand, the complement: GNE is on the minus strand). VCF-style: chr9-36229088-G-A. GRCh37 (hg19) VCF-style: chr9-36229085-G-A.
Other names: c.1096C>T, p.Arg366Trp (NM_001128227.3); c.1003C>T, p.Arg335Trp (NM_001190383.3); c.673C>T, p.Arg225Trp (NM_001190384.3); c.826C>T, p.Arg276Trp (NM_001190388.2, NM_001374798.1); c.850C>T, p.Arg284Trp (NM_001374797.1); short protein forms R366W, R335W, R225W, R276W, R284W.
Identifiers: ClinVar variation 281291 (VCV000281291.16), dbSNP rs150132839, ClinGen allele CA5056603.
Genomic context (GRCh38, chr9:36,229,088, plus strand): 5'-ACTGTTTACCAAACTGAAGGTGCAGTGCTTGCAATATTTTGTCTTGGGTGTCAGCATCCC[G>A]GACATGAAGAACATTCTCCCCTAGGTAAAACCAGTGACACATTACAAGGATTTGGAAGTG-3'
Protein context (NP_005467.1, residues 325-345): RETGENVLHV[Arg335Trp]DADTQDKILQ

ClinVar aggregate classification (germline): Conflicting classifications of pathogenicity. Review status: criteria provided, conflicting classifications (1 of 4 stars). 6 submissions from 6 submitters: Likely pathogenic (2); Uncertain significance (3). 1 of the submissions does not count toward it. Last evaluated 2024-09-16.

Conditions:
Sialuria. Also called: Sialic Acid Storage Disease; SIALURIA, FRENCH TYPE. Identifiers: Orphanet 3166, MedGen C0342853, MONDO:0010028, OMIM 269921.
GNE myopathy (NM). Also called: MYOPATHY, DISTAL, WITH OR WITHOUT RIMMED VACUOLES; IBM 2; Inclusion body myopathy autosomal recessive; Inclusion body myopathy quadriceps sparing; NONAKA DISTAL MYOPATHY; INCLUSION BODY MYOPATHY, HEREDITARY, AUTOSOMAL RECESSIVE. Identifiers: Orphanet 602, MedGen C1853926, MONDO:0011603, OMIM 605820.
Thrombocytopenia 12 with or without myopathy (THC12). Identifiers: MedGen C5935593, MONDO:0958325, OMIM 620757.

Allele frequency attached by ClinVar (database versions not stated): TOPMed 0.00002; ExAC 0.00002; ESP Exome Variant Server 0.00008; gnomAD exomes 0.00001 and 0.00002.
gnomAD v4.1: 17 of 1,606,534 alleles (0.0011%); highest among the groups gnomAD compares: East Asian, 0.0045%; no homozygotes.

Submissions (6):

Labcorp Genetics (formerly Invitae), Labcorp
Classification: Likely pathogenic for Sialuria; GNE myopathy. Last evaluated: 2024-09-16. Review status: criteria provided, single submitter. Criteria: Invitae Variant Classification Sherloc (09022015). Collection method: clinical testing. Allele origin: germline.
Comment: This sequence change replaces arginine, which is basic and polar, with tryptophan, which is neutral and slightly polar, at codon 366 of the GNE protein (p.Arg366Trp). This variant is present in population databases (rs150132839, gnomAD 0.01%). This missense change has been observed in individuals with autosomal recessive hereditary inclusion body myopathy (PMID: 19078806, 20059379). This variant is also known as R335W. ClinVar contains an entry for this variant (Variation ID: 281291). Invitae Evidence Modeling of protein sequence and biophysical properties (such as structural, functional, and spatial information, amino acid conservation, physicochemical variation, residue mobility, and thermodynamic stability) has been performed for this missense variant. However, the output from this modeling did not meet the statistical confidence thresholds required to predict the impact of this variant on GNE protein function. In summary, the currently available evidence indicates that the variant is pathogenic, but additional data are needed to prove that conclusively. Therefore, this variant has been classified as Likely Pathogenic.

Fulgent Genetics
Classification: Likely pathogenic for Sialuria; GNE myopathy; Thrombocytopenia 12 with or without myopathy. Last evaluated: 2024-01-23. Review status: criteria provided, single submitter. Criteria: ACMG Guidelines, 2015. Collection method: clinical testing. Allele origin: germline.

Blueprint Genetics
Classification: Uncertain significance. Last evaluated: 2022-04-08. Review status: criteria provided, single submitter. Criteria: ACMG Guidelines, 2015. Collection method: clinical testing. Allele origin: germline.

Revvity Omics, Revvity
Classification: Uncertain significance. Last evaluated: 2021-10-12. Review status: criteria provided, single submitter. Criteria: ACMG Guidelines, 2015. Collection method: clinical testing. Allele origin: germline.

Eurofins Ntd Llc (ga)
Classification: Uncertain significance. Last evaluated: 2017-01-06. Review status: criteria provided, single submitter. Criteria: EGL Classification Definitions 2015. Collection method: clinical testing. Allele origin: germline. Observed: 3 variant alleles, 3 heterozygotes.

Natera, Inc.
Classification: Uncertain significance for Nonaka myopathy. Last evaluated: 2021-09-17. Review status: no assertion criteria provided. Collection method: clinical testing. Allele origin: germline. Not counted in ClinVar's aggregate classification.

Literature cited by the submitters: PubMed 19078806 (cited by Labcorp Genetics (formerly Invitae), Labcorp); PubMed 20059379 (cited by Labcorp Genetics (formerly Invitae), Labcorp).